The following is an entry in ClinVar:

ClinVar aggregate classification (germline): Benign (1 of 4 stars; one submission).

Allele frequency attached by ClinVar (database versions not stated): TOPMed 0.95657; 1000 Genomes Project 30x 0.95846; gnomAD 0.95924 and 0.96219; 1000 Genomes Project 0.96166.
gnomAD v4.1: 146,514 of 152,206 alleles (96%); highest among the groups gnomAD compares: East Asian, 100%; 70,747 homozygotes.

Submission:

GeneDx
Classification: Benign. Last evaluated: 2018-06-14. Review status: criteria provided, single submitter. Criteria: GeneDx Variant Classification (06012015). Collection method: clinical testing. Allele origin: germline. Affected: yes.
Comment: This variant is considered likely benign or benign based on one or more of the following criteria: it is a conservative change, it occurs at a poorly conserved position in the protein, it is predicted to be benign by multiple in silico algorithms, and/or has population frequency not consistent with disease.

NM_020381.4(PDSS2):c.431+283T>C

Gene: PDSS2 (decaprenyl diphosphate synthase subunit 2; minus strand). Cytogenetic location: 6q21.
Variant type: single nucleotide variant.
Coding change: c.431+283T>C on transcript NM_020381.4 (MANE Select); 283 bases into the intron after coding-DNA position 431, T replaced by C.
Molecular consequence: intron variant.
Genome position (GRCh38, 1-based): chr6:107,333,915, A>G on the plus strand (T>C on the coding strand, the complement: PDSS2 is on the minus strand). VCF-style: chr6-107333915-A-G. GRCh37 (hg19) VCF-style: chr6-107655119-A-G.
Identifiers: ClinVar variation 683452 (VCV000683452.1), dbSNP rs2500573, ClinGen allele CA15466235.
Genomic context (GRCh38, chr6:107,333,915, plus strand): 5'-TAGATTTAAAAATCATAGATCCTGAACTAAGTGGCACAGAGGTCTCTACAGAGACACAAC[A>G]ATACATAATAAGGGGAGGGAGAAGTGATGAACAGAAAATTTTAAATGCCCAAAGTAGAAA-3'